The following is an entry in ClinVar:

NM_000503.6(EYA1):c.1141-2A>G

Gene: EYA1 (EYA transcriptional coactivator and phosphatase 1; minus strand). Cytogenetic location: 8q13.3.
Variant type: single nucleotide variant.
Coding change: c.1141-2A>G on transcript NM_000503.6 (MANE Select); the canonical splice acceptor site of the intron before coding-DNA position 1141, A replaced by G.
Molecular consequence: splice acceptor variant.
Genome position (GRCh38, 1-based): chr8:71,217,025, T>C on the plus strand (A>G on the coding strand, the complement: EYA1 is on the minus strand). VCF-style: chr8-71217025-T-C. GRCh37 (hg19) VCF-style: chr8-72129260-T-C.
Other names: c.1120-2A>G (NM_001370336.1); c.1228-2A>G (NM_001370333.1); c.1141-2A>G (NM_001370335.1, NM_001370334.1, NM_172058.4); c.1123-2A>G (NM_172059.5, NM_001288574.2); c.1042-2A>G (NM_001411797.1, NM_172060.4); c.775-2A>G (NM_001288575.2).
Identifiers: ClinVar variation 3601093 (VCV003601093.1).

ClinVar aggregate classification (germline): Likely pathogenic (1 of 4 stars; one submission).

Conditions:
Branchiootorenal syndrome 1. Also called: Branchio-Oto-Renal Syndrome 1. Identifiers: Orphanet 107, MedGen C4551702, MONDO:0007236, OMIM 113650.

Submission:

Institute of Rare Diseases, West China Hospital, Sichuan University
Classification: Likely pathogenic for Branchiootorenal syndrome 1. Last evaluated: 2025-01-09. Review status: criteria provided, single submitter. Criteria: ClinGen HL ACMG Specifications v1. Collection method: research. Allele origin: germline. Affected: yes.
Comment: PVS1;PM2_Supporting